The following is an entry in ClinVar:

ClinVar aggregate classification (germline): Uncertain significance. Review status: criteria provided, multiple submitters, no conflicts (2 of 4 stars). 2 submissions from 2 submitters: Uncertain significance (2). Last evaluated 2024-10-09.

Conditions:
Hereditary cancer-predisposing syndrome. Also called: Hereditary Cancer Syndrome; Tumor predisposition; Hereditary neoplastic syndrome; Neoplastic Syndromes, Hereditary. Identifiers: Orphanet 140162, MedGen C0027672, MeSH D009386, MONDO:0015356.

Submissions (2):

Labcorp Genetics (formerly Invitae), Labcorp
Classification: Uncertain significance. Last evaluated: 2024-10-09. Review status: criteria provided, single submitter. Criteria: Invitae Variant Classification Sherloc (09022015). Collection method: clinical testing. Allele origin: germline.
Comment: This sequence change replaces alanine, which is neutral and non-polar, with valine, which is neutral and non-polar, at codon 789 of the POLE protein (p.Ala789Val). This variant is not present in population databases (gnomAD no frequency). This variant has not been reported in the literature in individuals affected with POLE-related conditions. ClinVar contains an entry for this variant (Variation ID: 1047383). Invitae Evidence Modeling of protein sequence and biophysical properties (such as structural, functional, and spatial information, amino acid conservation, physicochemical variation, residue mobility, and thermodynamic stability) indicates that this missense variant is not expected to disrupt POLE protein function with a negative predictive value of 80%. In summary, the available evidence is currently insufficient to determine the role of this variant in disease. Therefore, it has been classified as a Variant of Uncertain Significance.

Ambry Genetics
Classification: Uncertain significance for Hereditary cancer-predisposing syndrome. Last evaluated: 2024-04-11. Review status: criteria provided, single submitter. Criteria: Ambry Variant Classification Scheme 2023. Collection method: clinical testing. Allele origin: germline.
Comment: The p.A789V variant (also known as c.2366C>T), located in coding exon 21 of the POLE gene, results from a C to T substitution at nucleotide position 2366. The alanine at codon 789 is replaced by valine, an amino acid with similar properties. This amino acid position is conserved. In addition, this alteration is predicted to be tolerated by in silico analysis. Based on the available evidence, the clinical significance of this variant remains unclear.

NM_006231.4(POLE):c.2366C>T (p.Ala789Val)

Gene: POLE (DNA polymerase epsilon, catalytic subunit; minus strand). Cytogenetic location: 12q24.33.
Variant type: single nucleotide variant.
Coding change: c.2366C>T on transcript NM_006231.4 (MANE Select); coding-DNA position 2366, C replaced by T.
Protein change: p.Ala789Val; replaces alanine 789 with valine.
Molecular consequence: missense variant.
Genome position (GRCh38, 1-based): chr12:132,665,404, G>A on the plus strand (C>T on the coding strand, the complement: POLE is on the minus strand). VCF-style: chr12-132665404-G-A. GRCh37 (hg19) VCF-style: chr12-133241990-G-A.
Other names: c.2366C>T (NM_006231.2); short protein forms A789V.
Identifiers: ClinVar variation 1047383 (VCV001047383.9), dbSNP rs2042772589, ClinGen allele CA387397651.